The following is an entry in ClinVar:

ClinVar aggregate classification (germline): Uncertain significance (1 of 4 stars; one submission).

Conditions:
Neutropenia, severe congenital, 2, autosomal dominant. Identifiers: Orphanet 486, MedGen C2751288, MONDO:0013139, OMIM 613107.

Submission:

Labcorp Genetics (formerly Invitae), Labcorp
Classification: Uncertain significance for Neutropenia, severe congenital, 2, autosomal dominant. Last evaluated: 2019-10-23. Review status: criteria provided, single submitter. Criteria: Invitae Variant Classification Sherloc (09022015). Collection method: clinical testing. Allele origin: germline.
Comment: In summary, the available evidence is currently insufficient to determine the role of this variant in disease. Therefore, it has been classified as a Variant of Uncertain Significance. Algorithms developed to predict the effect of missense changes on protein structure and function are either unavailable or do not agree on the potential impact of this missense change (SIFT: "Tolerated"; PolyPhen-2: "Probably Damaging"; Align-GVGD: "Class C0"). This variant has not been reported in the literature in individuals with GFI1-related conditions. This variant is not present in population databases (ExAC no frequency). This sequence change replaces glutamine with leucine at codon 308 of the GFI1 protein (p.Gln308Leu). The glutamine residue is moderately conserved and there is a moderate physicochemical difference between glutamine and leucine.

NM_005263.5(GFI1):c.923A>T (p.Gln308Leu)

Gene: GFI1 (growth factor independent 1 transcriptional repressor; minus strand). Cytogenetic location: 1p22.1.
Variant type: single nucleotide variant.
Coding change: c.923A>T on transcript NM_005263.5 (MANE Select); coding-DNA position 923, A replaced by T.
Protein change: p.Gln308Leu; replaces glutamine 308 with leucine.
Molecular consequence: missense variant.
Genome position (GRCh38, 1-based): chr1:92,480,349, T>A on the plus strand (A>T on the coding strand, the complement: GFI1 is on the minus strand). VCF-style: chr1-92480349-T-A. GRCh37 (hg19) VCF-style: chr1-92945906-T-A.
Other names: c.923A>T, p.Gln308Leu (NM_001127215.3, NM_001127216.3); short protein forms Q308L.
Identifiers: ClinVar variation 967970 (VCV000967970.9), dbSNP rs1658165455, ClinGen allele CA341148408.